The following is an entry in ClinVar:

ClinVar aggregate classification (germline): Uncertain significance (1 of 4 stars; one submission).

Conditions:
Brugada syndrome 8 (BRGDA8). Identifiers: Orphanet 130, MedGen C2751083, MONDO:0013148, OMIM 613123.

Allele frequency attached by ClinVar (database versions not stated): gnomAD exomes below 0.00001.
gnomAD v4.1: 4 of 1,547,730 alleles (0.00026%); highest among the groups gnomAD compares: Non-Finnish European, 0.00035%; no homozygotes.

Submission:

Labcorp Genetics (formerly Invitae), Labcorp
Classification: Uncertain significance for Brugada syndrome 8. Last evaluated: 2022-12-02. Review status: criteria provided, single submitter. Criteria: Invitae Variant Classification Sherloc (09022015). Collection method: clinical testing. Allele origin: germline.
Comment: In summary, the available evidence is currently insufficient to determine the role of this variant in disease. Therefore, it has been classified as a Variant of Uncertain Significance. Experimental studies and prediction algorithms are not available or were not evaluated, and the functional significance of this variant is currently unknown. ClinVar contains an entry for this variant (Variation ID: 950437). This variant has not been reported in the literature in individuals affected with HCN4-related conditions. This variant is not present in population databases (gnomAD no frequency). This sequence change creates a premature translational stop signal (p.Gln930*) in the HCN4 gene. While this is not anticipated to result in nonsense mediated decay, it is expected to disrupt the last 274 amino acid(s) of the HCN4 protein.

NM_005477.3(HCN4):c.2788C>T (p.Gln930Ter)

Gene: HCN4 (hyperpolarization activated cyclic nucleotide gated potassium channel 4; minus strand). Cytogenetic location: 15q24.1.
Variant type: single nucleotide variant.
Coding change: c.2788C>T on transcript NM_005477.3 (MANE Select); coding-DNA position 2788, C replaced by T.
Protein change: p.Gln930Ter; replaces glutamine 930 with a stop codon.
Molecular consequence: nonsense.
Genome position (GRCh38, 1-based): chr15:73,323,305, G>A on the plus strand (C>T on the coding strand, the complement: HCN4 is on the minus strand). VCF-style: chr15-73323305-G-A. GRCh37 (hg19) VCF-style: chr15-73615646-G-A.
Other names: short protein forms Q930*.
Identifiers: ClinVar variation 950437 (VCV000950437.7), dbSNP rs2042875494, ClinGen allele CA393088001.
Genomic context (GRCh38, chr15:73,323,305, plus strand): 5'-CCCGGGCCCCGGGTGGCGCGGGAGATGGCTGGGCAGCCTGCGGGGAGCGGGCGCCTGGCT[G>A]CAGCGGGGTGAGCAGGGGAGAGTCGGAGGAGGACAGGGAGCCACCCAGCGCCTTGTGGAA-3'